The following is an entry in ClinVar:

NM_001330700.2(TOP2B):c.4802G>T (p.Gly1601Val)

Genes: RARB (retinoic acid receptor beta; plus strand), TOP2B (DNA topoisomerase II beta; minus strand). Cytogenetic location: 3p24.2.
Variant type: single nucleotide variant.
Coding change: c.4802G>T on transcript NM_001330700.2 (MANE Select); coding-DNA position 4802, G replaced by T.
Protein change: p.Gly1601Val; replaces glycine 1601 with valine.
Molecular consequence: missense variant.
Genome position (GRCh38, 1-based): chr3:25,598,386, C>A on the plus strand (G>T on the coding strand, the complement: TOP2B is on the minus strand). VCF-style: chr3-25598386-C-A. GRCh37 (hg19) VCF-style: chr3-25639877-C-A.
Other names: c.4787G>T, p.Gly1596Val (NM_001068.3); short protein forms G1596V, G1601V.
Identifiers: ClinVar variation 2768780 (VCV002768780.4), dbSNP rs192180550, ClinGen allele CA351890017.

ClinVar aggregate classification (germline): Uncertain significance. Review status: criteria provided, multiple submitters, no conflicts (2 of 4 stars). 2 submissions from 2 submitters: Uncertain significance (2). Last evaluated 2025-02-05.

gnomAD v4.1: 1 of 1,613,594 alleles (0.000062%); highest among the groups gnomAD compares: Non-Finnish European, 0.000085%; no homozygotes.

Submissions (2):

GeneDx
Classification: Uncertain significance. Last evaluated: 2025-02-05. Review status: criteria provided, single submitter. Criteria: GeneDx Variant Classification Process June 2021. Collection method: clinical testing. Allele origin: germline. Affected: yes.
Comment: Not observed at significant frequency in large population cohorts (gnomAD); In silico analysis supports that this missense variant has a deleterious effect on protein structure/function; Has not been previously published as pathogenic or benign to our knowledge

Labcorp Genetics (formerly Invitae), Labcorp
Classification: Uncertain significance. Last evaluated: 2023-12-27. Review status: criteria provided, single submitter. Criteria: Invitae Variant Classification Sherloc (09022015). Collection method: clinical testing. Allele origin: germline.
Comment: This sequence change replaces glycine, which is neutral and non-polar, with valine, which is neutral and non-polar, at codon 1596 of the TOP2B protein (p.Gly1596Val). This variant is not present in population databases (gnomAD no frequency). This variant has not been reported in the literature in individuals affected with TOP2B-related conditions. An algorithm developed to predict the effect of missense changes on protein structure and function (PolyPhen-2) suggests that this variant is likely to be disruptive. In summary, the available evidence is currently insufficient to determine the role of this variant in disease. Therefore, it has been classified as a Variant of Uncertain Significance.